The following is an entry in ClinVar:

ClinVar aggregate classification (germline): Uncertain significance (1 of 4 stars; one submission).

Submission:

Labcorp Genetics (formerly Invitae), Labcorp
Classification: Uncertain significance. Last evaluated: 2025-07-15. Review status: criteria provided, single submitter. Criteria: Invitae Variant Classification Sherloc (09022015). Collection method: clinical testing. Allele origin: germline.
Comment: This sequence change replaces leucine, which is neutral and non-polar, with isoleucine, which is neutral and non-polar, at codon 595 of the TRAF7 protein (p.Leu595Ile). This variant is not present in population databases (gnomAD no frequency). This variant has not been reported in the literature in individuals affected with TRAF7-related conditions. An algorithm developed to predict the effect of missense changes on protein structure and function (PolyPhen-2) suggests that this variant is likely to be disruptive. In summary, the available evidence is currently insufficient to determine the role of this variant in disease. Therefore, it has been classified as a Variant of Uncertain Significance.

NM_032271.3(TRAF7):c.1783C>A (p.Leu595Ile)

Gene: TRAF7 (TNF receptor associated factor 7; plus strand). Cytogenetic location: 16p13.3.
Variant type: single nucleotide variant.
Coding change: c.1783C>A on transcript NM_032271.3 (MANE Select); coding-DNA position 1783, C replaced by A.
Protein change: p.Leu595Ile; replaces leucine 595 with isoleucine.
Molecular consequence: missense variant.
Genome position (GRCh38, 1-based): chr16:2,176,085, C>A. VCF-style: chr16-2176085-C-A. GRCh37 (hg19) VCF-style: chr16-2226086-C-A.
Other names: short protein forms L595I.
Identifiers: ClinVar variation 4723321 (VCV004723321.1).
Genomic context (GRCh38, chr16:2,176,085, plus strand): 5'-CCTGCCTGTGCCCACCCCTCCCAGGTGTGGGACATTGAGTCCAAGGAGCAGGTGCGGACC[C>A]TCACGGGCCACGTGGGCACCGTGTATGCCCTGGCGGTCATCTCGACGCCAGACCAGACCA-3'
Protein context (NP_115647.2, residues 585-605): DIESKEQVRT[Leu595Ile]TGHVGTVYAL